The following is an entry in ClinVar:

NM_000789.4(ACE):c.2382G>A (p.Ala794=)

Gene: ACE (angiotensin I converting enzyme; plus strand). Cytogenetic location: 17q23.3.
Variant type: single nucleotide variant.
Coding change: c.2382G>A on transcript NM_000789.4 (MANE Select); coding-DNA position 2382, G replaced by A.
Protein change: p.Ala794=; no amino-acid change (alanine 794 retained).
Molecular consequence: synonymous variant.
Genome position (GRCh38, 1-based): chr17:63,488,724, G>A. VCF-style: chr17-63488724-G-A. GRCh37 (hg19) VCF-style: chr17-61566085-G-A.
Other names: c.660G>A, p.Ala220= (NM_001178057.2, NM_152830.3).
Identifiers: ClinVar variation 777210 (VCV000777210.18), dbSNP rs61738817, ClinGen allele CA8700080.

ClinVar aggregate classification (germline): Benign/Likely benign. Review status: criteria provided, multiple submitters, no conflicts (2 of 4 stars). 5 submissions from 5 submitters: Benign (3); Likely benign (1). 1 of the submissions does not count toward it. Last evaluated 2026-01-06.

Conditions:
ACE-related disorder. Also called: ACE-related disorders; ACE-related condition.
Renal tubular dysgenesis of genetic origin. Also called: PRIMITIVE RENAL TUBULE SYNDROME. Identifiers: Orphanet 97369, MedGen C5681536, MONDO:0009970, OMIM 267430.
Microvascular complications of diabetes, susceptibility to, 3. Identifiers: MedGen C2675470, MONDO:0012963, OMIM 612624.
Hemorrhage, intracerebral, susceptibility to (ICH). Also called: Stroke, hemorrhagic, susceptibility to. Identifiers: MedGen C3281105, MONDO:0100533, OMIM 614519.
Renal tubular dysgenesis. Also called: Renotubular dysgenesis. Identifiers: Orphanet 3033, MedGen C0266313, MONDO:0017609, HP:0008660.

Allele frequency attached by ClinVar (database versions not stated): ESP Exome Variant Server 0.00569; gnomAD 0.00634 and 0.00669; TOPMed 0.00690; 1000 Genomes Project 30x 0.00765; 1000 Genomes Project 0.00779.
gnomAD v4.1: 2,090 of 1,613,724 alleles (0.13%); highest among the groups gnomAD compares: African/African-American, 2.2%; 28 homozygotes.

Submissions (5):

Labcorp Genetics (formerly Invitae), Labcorp
Classification: Benign. Last evaluated: 2026-01-06. Review status: criteria provided, single submitter. Criteria: Invitae Variant Classification Sherloc (09022015). Collection method: clinical testing. Allele origin: germline.

Fulgent Genetics
Classification: Likely benign for Renal tubular dysgenesis of genetic origin; Microvascular complications of diabetes, susceptibility to, 3; Hemorrhage, intracerebral, susceptibility to. Last evaluated: 2021-07-27. Review status: criteria provided, single submitter. Criteria: ACMG Guidelines, 2015. Collection method: clinical testing. Allele origin: unknown.

Illumina Laboratory Services, Illumina
Classification: Benign for Renal tubular dysgenesis of genetic origin. Last evaluated: 2018-01-13. Review status: criteria provided, single submitter. Criteria: ICSL Variant Classification Criteria 13 December 2019. Collection method: clinical testing. Allele origin: germline.
Comment: This variant was observed in the ICSL laboratory as part of a predisposition screen in an ostensibly healthy population. It had not been previously curated by ICSL or reported in the Human Gene Mutation Database (HGMD: prior to June 1st, 2018), and was therefore a candidate for classification through an automated scoring system. Utilizing variant allele frequency, disease prevalence and penetrance estimates, and inheritance mode, an automated score was calculated to assess if this variant is too frequent to cause the disease. Based on the score and internal cut-off values, a variant classified as benign is not then subjected to further curation. The score for this variant resulted in a classification of benign for this disease.

Breakthrough Genomics
Classification: Benign. Review status: criteria provided, single submitter. Criteria: ACMG Guidelines, 2015. Collection method: not provided. Allele origin: germline. Inheritance: Autosomal recessive inheritance. Affected: yes.

PreventionGenetics, part of Exact Sciences
Classification: Benign for ACE-related condition. Last evaluated: 2019-07-23. Review status: no assertion criteria provided. Collection method: clinical testing. Allele origin: germline. Not counted in ClinVar's aggregate classification.
Comment: This variant is classified as benign based on ACMG/AMP sequence variant interpretation guidelines (Richards et al. 2015 PMID: 25741868, with internal and published modifications).